The following is an entry in ClinVar:

ClinVar aggregate classification (germline): Uncertain significance (1 of 4 stars; one submission).

Conditions:
Kabuki syndrome. Also called: Kabuki make-up syndrome; NIIKAWA-KUROKI SYNDROME. Identifiers: Orphanet 2322, MedGen C0796004, MONDO:0016512.

Submission:

Labcorp Genetics (formerly Invitae), Labcorp
Classification: Uncertain significance for Kabuki syndrome. Last evaluated: 2023-12-27. Review status: criteria provided, single submitter. Criteria: Invitae Variant Classification Sherloc (09022015). Collection method: clinical testing. Allele origin: germline.
Comment: This sequence change replaces alanine, which is neutral and non-polar, with valine, which is neutral and non-polar, at codon 4824 of the KMT2D protein (p.Ala4824Val). This variant is not present in population databases (gnomAD no frequency). This variant has not been reported in the literature in individuals affected with KMT2D-related conditions. Advanced modeling of protein sequence and biophysical properties (such as structural, functional, and spatial information, amino acid conservation, physicochemical variation, residue mobility, and thermodynamic stability) performed at Invitae indicates that this missense variant is not expected to disrupt KMT2D protein function with a negative predictive value of 95%. In summary, the available evidence is currently insufficient to determine the role of this variant in disease. Therefore, it has been classified as a Variant of Uncertain Significance.

NM_003482.4(KMT2D):c.14471C>T (p.Ala4824Val)

Gene: KMT2D (lysine methyltransferase 2D; minus strand). Cytogenetic location: 12q13.12.
Variant type: single nucleotide variant.
Coding change: c.14471C>T on transcript NM_003482.4 (MANE Select); coding-DNA position 14471, C replaced by T.
Protein change: p.Ala4824Val; replaces alanine 4824 with valine.
Molecular consequence: missense variant.
Genome position (GRCh38, 1-based): chr12:49,028,053, G>A on the plus strand (C>T on the coding strand, the complement: KMT2D is on the minus strand). VCF-style: chr12-49028053-G-A. GRCh37 (hg19) VCF-style: chr12-49421836-G-A.
Other names: short protein forms A4824V.
Identifiers: ClinVar variation 2705318 (VCV002705318.3), dbSNP rs2498331319, ClinGen allele CA384695050.
Genomic context (GRCh38, chr12:49,028,053, plus strand): 5'-TCCCTGCCACACTCACCAGGACCCTCAGCTTCCCCCTTCTTTGGCTCAGTGCCTGCCCGG[G>A]CGGGGCTCTCTGGGAACAGCACCTCATAGGAGTTGGGGATCTTCATGCTCAGCAGCTCCG-3'
Protein context (NP_003473.3, residues 4814-4834): SYEVLFPESP[Ala4824Val]RAGTEPKKGE